The following is an entry in ClinVar:

NM_001429.4(EP300):c.2656C>T (p.Pro886Ser)

Gene: EP300 (EP300 lysine acetyltransferase; plus strand). Cytogenetic location: 22q13.2.
Variant type: single nucleotide variant.
Coding change: c.2656C>T on transcript NM_001429.4 (MANE Select); coding-DNA position 2656, C replaced by T.
Protein change: p.Pro886Ser; replaces proline 886 with serine.
Molecular consequence: missense variant.
Genome position (GRCh38, 1-based): chr22:41,150,037, C>T. VCF-style: chr22-41150037-C-T. GRCh37 (hg19) VCF-style: chr22-41546041-C-T.
Other names: c.2578C>T, p.Pro860Ser (NM_001362843.2); short protein forms P860S, P886S.
Identifiers: ClinVar variation 767051 (VCV000767051.18), dbSNP rs148308496, ClinGen allele CA10252917.

ClinVar aggregate classification (germline): Benign/Likely benign. Review status: criteria provided, multiple submitters, no conflicts (2 of 4 stars). 3 submissions from 3 submitters: Benign (1); Likely benign (1). 1 of the submissions does not count toward it. Last evaluated 2025-12-22.

Conditions:
EP300-related disorder. Also called: EP300-related disorders; EP300-related condition.
Rubinstein-Taybi syndrome due to EP300 haploinsufficiency. Also called: RUBINSTEIN-TAYBI SYNDROME 2; EP300-Related Rubinstein-Taybi Syndrome. Identifiers: Orphanet 353284, Orphanet 783, MedGen C3150941, MONDO:0013364, OMIM 613684.

Allele frequency attached by ClinVar (database versions not stated): gnomAD exomes 0.00017; ExAC 0.00022; gnomAD 0.00070 and 0.00074; ESP Exome Variant Server 0.00077; TOPMed 0.00092; 1000 Genomes Project 0.00120; 1000 Genomes Project 30x 0.00125.
gnomAD v4.1: 211 of 1,614,000 alleles (0.013%); highest among the groups gnomAD compares: African/African-American, 0.25%; no homozygotes.

Submissions (3):

Labcorp Genetics (formerly Invitae), Labcorp
Classification: Likely benign for Rubinstein-Taybi syndrome due to EP300 haploinsufficiency. Last evaluated: 2025-12-22. Review status: criteria provided, single submitter. Criteria: Invitae Variant Classification Sherloc (09022015). Collection method: clinical testing. Allele origin: germline.

GeneDx
Classification: Benign. Last evaluated: 2019-09-06. Review status: criteria provided, single submitter. Criteria: GeneDx Variant Classification Process June 2021. Collection method: clinical testing. Allele origin: germline. Affected: yes.

PreventionGenetics, part of Exact Sciences
Classification: Likely benign for EP300-related condition. Last evaluated: 2021-07-14. Review status: no assertion criteria provided. Collection method: clinical testing. Allele origin: germline. Not counted in ClinVar's aggregate classification.
Comment: This variant is classified as likely benign based on ACMG/AMP sequence variant interpretation guidelines (Richards et al. 2015 PMID: 25741868, with internal and published modifications).